The following is an entry in ClinVar:

NM_003718.5(CDK13):c.2330C>G (p.Ala777Gly)

Gene: CDK13 (cyclin dependent kinase 13; plus strand). Cytogenetic location: 7p14.1.
Variant type: single nucleotide variant.
Coding change: c.2330C>G on transcript NM_003718.5 (MANE Select); coding-DNA position 2330, C replaced by G.
Protein change: p.Ala777Gly; replaces alanine 777 with glycine.
Molecular consequence: missense variant.
Genome position (GRCh38, 1-based): chr7:40,002,008, C>G. VCF-style: chr7-40002008-C-G. GRCh37 (hg19) VCF-style: chr7-40041607-C-G.
Other names: c.2330C>G, p.Ala777Gly (NM_031267.4); short protein forms A777G.
Identifiers: ClinVar variation 2575953 (VCV002575953.1), dbSNP rs2483783490, ClinGen allele CA367290105.

ClinVar aggregate classification (germline): Uncertain significance (1 of 4 stars; one submission).

Submission:

Institute for Clinical Genetics, University Hospital TU Dresden, University Hospital TU Dresden
Classification: Uncertain significance. Last evaluated: 2022-03-15. Review status: criteria provided, single submitter. Criteria: ACMG Guidelines, 2015. Collection method: clinical testing. Allele origin: germline.
Comment: PM2_SUP